The following is an entry in ClinVar:

ClinVar aggregate classification (germline): Likely benign. Review status: criteria provided, multiple submitters, no conflicts (2 of 4 stars). 4 submissions from 4 submitters: Likely benign (4). Last evaluated 2025-12-15.

Conditions:
Long QT syndrome (LQTS). Identifiers: MedGen C0023976, MeSH D008133, MONDO:0002442. Disease mechanism: loss of function. Inheritance: Various modes of inheritance.
Cardiovascular phenotype. Identifiers: MedGen CN230736.
AKAP9-related disorder. Also called: AKAP9-related condition.

Allele frequency attached by ClinVar (database versions not stated): gnomAD exomes 0.00001 and 0.00002; ExAC 0.00003; gnomAD 0.00003 and 0.00004; TOPMed 0.00003; ESP Exome Variant Server 0.00008.
gnomAD v4.1: 29 of 1,614,082 alleles (0.0018%); highest among the groups gnomAD compares: Non-Finnish European, 0.0024%; no homozygotes.

Submissions (4):

Labcorp Genetics (formerly Invitae), Labcorp
Classification: Likely benign for Long QT syndrome. Last evaluated: 2025-12-15. Review status: criteria provided, single submitter. Criteria: Invitae Variant Classification Sherloc (09022015). Collection method: clinical testing. Allele origin: germline.

PreventionGenetics, part of Exact Sciences
Classification: Likely benign for AKAP9-related condition. Last evaluated: 2024-11-26. Review status: criteria provided, single submitter. Criteria: ACMG Guidelines, 2015. Collection method: clinical testing. Allele origin: germline.
Comment: This variant is classified as likely benign based on ACMG/AMP sequence variant interpretation guidelines (Richards et al. 2015 PMID: 25741868, with internal and published modifications).

Blueprint Genetics
Classification: Likely benign. Last evaluated: 2023-02-22. Review status: criteria provided, single submitter. Criteria: ACMG Guidelines, 2015. Collection method: clinical testing. Allele origin: germline.

Ambry Genetics
Classification: Likely benign for Cardiovascular phenotype. Last evaluated: 2020-12-09. Review status: criteria provided, single submitter. Criteria: Ambry Variant Classification Scheme 2023. Collection method: clinical testing. Allele origin: germline.

NM_005751.5(AKAP9):c.10560A>G (p.Gln3520=)

Gene: AKAP9 (A-kinase anchoring protein 9; plus strand). Cytogenetic location: 7q21.2.
Variant type: single nucleotide variant.
Coding change: c.10560A>G on transcript NM_005751.5 (MANE Select); coding-DNA position 10560, A replaced by G.
Protein change: p.Gln3520=; no amino-acid change (glutamine 3520 retained).
Molecular consequence: synonymous variant.
Genome position (GRCh38, 1-based): chr7:92,097,747, A>G. VCF-style: chr7-92097747-A-G. GRCh37 (hg19) VCF-style: chr7-91727061-A-G.
Other names: c.5205A>G, p.Gln1735= (NM_001379277.1); c.10536A>G, p.Gln3512= (NM_147185.3).
Identifiers: ClinVar variation 939655 (VCV000939655.12), dbSNP rs369522150, ClinGen allele CA4337969.
Genomic context (GRCh38, chr7:92,097,747, plus strand): 5'-AATGAATGGAGGAGGAACCGGCTGTAATCATGAATTAGAAATGATCAGACAAAAGCTTCA[A>G]TGTGTAGCTTCAAAACTACAGGTTCTACCCCAGAAAGCCTCTGAGAGGTTAGACTTTTCT-3'
Protein context (NP_005742.4, residues 3510-3530): HELEMIRQKL[Gln3520=]CVASKLQVLP